The following is an entry in ClinVar:

ClinVar aggregate classification (germline): Likely benign. Review status: criteria provided, multiple submitters, no conflicts (2 of 4 stars). 2 submissions from 2 submitters: Likely benign (2). Last evaluated 2025-11-23.

Conditions:
Hypokalemic periodic paralysis, type 1. Also called: HypoPP; Hypokalemic Periodic Paralysis Type 1 (AD). Identifiers: Orphanet 681, MedGen C3714580, MONDO:0042979, OMIM 170400.
Malignant hyperthermia, susceptibility to, 5 (MHS5). Also called: CACNA1S-Related Malignant Hyperthermia Susceptibility. Identifiers: Orphanet 423, MedGen C1866077, MONDO:0011163, OMIM 601887.

Allele frequency attached by ClinVar (database versions not stated): gnomAD exomes below 0.00001.
gnomAD v4.1: 5 of 1,614,234 alleles (0.00031%); highest among the groups gnomAD compares: Non-Finnish European, 0.00042%; no homozygotes.

Submissions (2):

Labcorp Genetics (formerly Invitae), Labcorp
Classification: Likely benign for Hypokalemic periodic paralysis, type 1; Malignant hyperthermia, susceptibility to, 5. Last evaluated: 2025-11-23. Review status: criteria provided, single submitter. Criteria: Invitae Variant Classification Sherloc (09022015). Collection method: clinical testing. Allele origin: germline.

All of Us Research Program, National Institutes of Health
Classification: Likely benign for Malignant hyperthermia, susceptibility to, 5. Last evaluated: 2023-04-03. Review status: criteria provided, single submitter. Criteria: ACMG Guidelines, 2015. Collection method: clinical testing. Allele origin: germline. Inheritance: Autosomal dominant inheritance. Observed: 1 variant allele, 1 heterozygote.
Comment: This study involves interpretation of variants in research participants for the purpose of population health screening. Participant phenotype was not available at the time of variant classification. Additional details can be found in publication PMID: 35346344, PMCID: PMC8962531

NM_000069.3(CACNA1S):c.1350C>T (p.Ala450=)

Gene: CACNA1S (calcium voltage-gated channel subunit alpha1 S; minus strand). Cytogenetic location: 1q32.1.
Variant type: single nucleotide variant.
Coding change: c.1350C>T on transcript NM_000069.3 (MANE Select); coding-DNA position 1350, C replaced by T.
Protein change: p.Ala450=; no amino-acid change (alanine 450 retained).
Molecular consequence: synonymous variant.
Genome position (GRCh38, 1-based): chr1:201,083,205, G>A on the plus strand (C>T on the coding strand, the complement: CACNA1S is on the minus strand). VCF-style: chr1-201083205-G-A. GRCh37 (hg19) VCF-style: chr1-201052333-G-A.
Identifiers: ClinVar variation 1103664 (VCV001103664.8), dbSNP rs1558075481, ClinGen allele CA422691667.